The following is an entry in ClinVar:

ClinVar aggregate classification (germline): Uncertain significance (1 of 4 stars; one submission).

Conditions:
Telangiectasia, hereditary hemorrhagic, type 2 (HHT2). Also called: Telangiectasia, hereditary hemorrhagic, type II; ACVRL1-Related Hereditary Hemorrhagic Telangiectasia. Identifiers: Orphanet 774, MedGen C1838163, MONDO:0010880, OMIM 600376. Disease mechanism: loss of function.

gnomAD v4.1: 9 of 1,611,630 alleles (0.00056%); highest among the groups gnomAD compares: African/African-American, 0.012%; no homozygotes.

Submission:

Labcorp Genetics (formerly Invitae), Labcorp
Classification: Uncertain significance for Telangiectasia, hereditary hemorrhagic, type 2. Last evaluated: 2024-11-11. Review status: criteria provided, single submitter. Criteria: Invitae Variant Classification Sherloc (09022015). Collection method: clinical testing. Allele origin: germline.
Comment: This sequence change replaces asparagine, which is neutral and polar, with serine, which is neutral and polar, at codon 341 of the ACVRL1 protein (p.Asn341Ser). This variant is present in population databases (rs149171481, gnomAD 0.02%). This missense change has been observed in individual(s) with clinical features of ACVRL1-related conditions (internal data). Invitae Evidence Modeling of protein sequence and biophysical properties (such as structural, functional, and spatial information, amino acid conservation, physicochemical variation, residue mobility, and thermodynamic stability) has been performed for this missense variant. However, the output from this modeling did not meet the statistical confidence thresholds required to predict the impact of this variant on ACVRL1 protein function. In summary, the available evidence is currently insufficient to determine the role of this variant in disease. Therefore, it has been classified as a Variant of Uncertain Significance.

NM_000020.3(ACVRL1):c.1022A>G (p.Asn341Ser)

Gene: ACVRL1 (activin A receptor like type 1; plus strand). Cytogenetic location: 12q13.13.
Variant type: single nucleotide variant.
Coding change: c.1022A>G on transcript NM_000020.3 (MANE Select); coding-DNA position 1022, A replaced by G.
Protein change: p.Asn341Ser; replaces asparagine 341 with serine.
Molecular consequence: missense variant.
Genome position (GRCh38, 1-based): chr12:51,915,474, A>G. VCF-style: chr12-51915474-A-G. GRCh37 (hg19) VCF-style: chr12-52309258-A-G.
Other names: c.1022A>G, p.Asn341Ser (NM_001077401.2, NM_001406487.1, NM_001406488.1 and 1 more transcripts); c.710A>G, p.Asn237Ser (NM_001406490.1, NM_001406491.1, NM_001406492.1 and 2 more transcripts); c.458A>G, p.Asn153Ser (NM_001406495.1); short protein forms N153S, N237S, N341S.
Identifiers: ClinVar variation 3607214 (VCV003607214.2).